The following is an entry in ClinVar:

NM_005891.3(ACAT2):c.490+12A>G

Gene: ACAT2 (acetyl-CoA acetyltransferase 2; plus strand). Cytogenetic location: 6q25.3.
Variant type: single nucleotide variant.
Coding change: c.490+12A>G on transcript NM_005891.3 (MANE Select); 12 bases into the intron after coding-DNA position 490, A replaced by G.
Molecular consequence: intron variant.
Genome position (GRCh38, 1-based): chr6:159,768,640, A>G. VCF-style: chr6-159768640-A-G. GRCh37 (hg19) VCF-style: chr6-160189672-A-G.
Other names: c.577+12A>G (NM_001303253.1).
Identifiers: ClinVar variation 2637843 (VCV002637843.1), dbSNP rs761031025, ClinGen allele CA4079044.

ClinVar aggregate classification (germline): Likely benign (1 of 4 stars; one submission).

Allele frequency attached by ClinVar (database versions not stated): ExAC 0.00002; TOPMed 0.00002; gnomAD 0.00003; gnomAD exomes 0.00003.
gnomAD v4.1: 39 of 1,565,106 alleles (0.0025%); highest among the groups gnomAD compares: Admixed American, 0.012%; no homozygotes.

Submission:

Women's Health and Genetics/Laboratory Corporation of America, LabCorp
Classification: Likely benign. Last evaluated: 2023-10-20. Review status: criteria provided, single submitter. Criteria: LabCorp Variant Classification Summary - May 2015. Collection method: clinical testing. Allele origin: germline.
Comment: Variant summary: ACAT2 c.490+12A>G alters a non-conserved nucleotide located at a position not widely known to affect splicing. Consensus agreement among computation tools predict no significant impact on normal splicing. However, these predictions have yet to be confirmed by functional studies. The variant allele was found at a frequency of 3.2e-05 in 251004 control chromosomes (gnomAD). The available data on variant occurrences in the general population are insufficient to allow any conclusion about variant significance. To our knowledge, no occurrence of c.490+12A>G in individuals affected with Acetyl-CoA Acetyltransferase-2 Deficiency and no experimental evidence demonstrating its impact on protein function have been reported. No submitters have cited clinical-significance assessments for this variant to ClinVar after 2014. Based on the evidence outlined above, the variant was classified as likely benign.